The following is an entry in ClinVar:

ClinVar aggregate classification (germline): Benign (1 of 4 stars; one submission).

Allele frequency attached by ClinVar (database versions not stated): 1000 Genomes Project 30x 0.37648; 1000 Genomes Project 0.38139; TOPMed 0.34207; gnomAD 0.34868 and 0.35281.
gnomAD v4.1: 53,618 of 151,970 alleles (35%); highest among the groups gnomAD compares: South Asian, 46%; 9,694 homozygotes.

Submission:

GeneDx
Classification: Benign. Last evaluated: 2018-06-14. Review status: criteria provided, single submitter. Criteria: GeneDx Variant Classification (06012015). Collection method: clinical testing. Allele origin: germline. Affected: yes.
Comment: This variant is considered likely benign or benign based on one or more of the following criteria: it is a conservative change, it occurs at a poorly conserved position in the protein, it is predicted to be benign by multiple in silico algorithms, and/or has population frequency not consistent with disease.

NM_139276.3(STAT3):c.129-213A>G

Gene: STAT3 (signal transducer and activator of transcription 3; minus strand). Cytogenetic location: 17q21.2.
Variant type: single nucleotide variant.
Coding change: c.129-213A>G on transcript NM_139276.3 (MANE Select); 213 bases into the intron before coding-DNA position 129, A replaced by G.
Molecular consequence: intron variant.
Genome position (GRCh38, 1-based): chr17:42,346,926, T>C on the plus strand (A>G on the coding strand, the complement: STAT3 is on the minus strand). VCF-style: chr17-42346926-T-C. GRCh37 (hg19) VCF-style: chr17-40498944-T-C.
Other names: c.129-213A>G (NM_001384989.1, NM_001384992.1, NM_001384984.1 and 17 more transcripts).
Identifiers: ClinVar variation 677149 (VCV000677149.1), dbSNP rs17885741, ClinGen allele CA14378883.